The following is an entry in ClinVar:

NM_019098.5(CNGB3):c.2103+8G>A

Gene: CNGB3 (cyclic nucleotide gated channel subunit beta 3; minus strand). Cytogenetic location: 8q21.3.
Variant type: single nucleotide variant.
Coding change: c.2103+8G>A on transcript NM_019098.5 (MANE Select); 8 bases into the intron after coding-DNA position 2103, G replaced by A.
Molecular consequence: intron variant.
Genome position (GRCh38, 1-based): chr8:86,578,681, C>T on the plus strand (G>A on the coding strand, the complement: CNGB3 is on the minus strand). VCF-style: chr8-86578681-C-T. GRCh37 (hg19) VCF-style: chr8-87590909-C-T.
Identifiers: ClinVar variation 1128245 (VCV001128245.31), dbSNP rs775059176, ClinGen allele CA4799810.

ClinVar aggregate classification (germline): Conflicting classifications of pathogenicity. Review status: criteria provided, conflicting classifications (1 of 4 stars). 2 submissions from 2 submitters: Uncertain significance (1); Likely benign (1). Last evaluated 2025-11-01.

Allele frequency attached by ClinVar (database versions not stated): ExAC 0.00001; gnomAD exomes 0.00001 and 0.00002.

Submissions (2):

CeGaT Center for Human Genetics Tuebingen
Classification: Uncertain significance. Last evaluated: 2025-11-01. Review status: criteria provided, single submitter. Criteria: CeGaT Center For Human Genetics Tuebingen Variant Classification Criteria Version 2. Collection method: clinical testing. Allele origin: germline. Affected: yes. Observed: 2 variant alleles.
Comment: CNGB3: PM2, BP4

Labcorp Genetics (formerly Invitae), Labcorp
Classification: Likely benign. Last evaluated: 2025-08-04. Review status: criteria provided, single submitter. Criteria: Invitae Variant Classification Sherloc (09022015). Collection method: clinical testing. Allele origin: germline.